The following is an entry in ClinVar:

ClinVar aggregate classification (germline): Conflicting classifications of pathogenicity. Review status: criteria provided, conflicting classifications (1 of 4 stars). 3 submissions from 3 submitters: Uncertain significance (2); Likely benign (1). Last evaluated 2025-06-26.

Conditions:
Hereditary breast ovarian cancer syndrome. Also called: Hereditary breast and/or ovarian cancer syndrome; Hereditary breast and ovarian cancer syndrome; Hereditary breast and ovarian cancer; Hereditary breast and ovarian cancer syndrome (HBOC); Breast and ovarian cancer; BRCA1- and BRCA2-Associated Hereditary Breast and Ovarian Cancer. Identifiers: Orphanet 145, MedGen C0677776, MeSH D061325, MONDO:0003582. Disease mechanism: loss of function.
Hereditary cancer-predisposing syndrome. Also called: Hereditary neoplastic syndrome; Neoplastic Syndromes, Hereditary; Tumor predisposition; Hereditary Cancer Syndrome. Identifiers: Orphanet 140162, MedGen C0027672, MeSH D009386, MONDO:0015356.

Submissions (3):

Ambry Genetics
Classification: Uncertain significance for Hereditary cancer-predisposing syndrome. Last evaluated: 2025-06-26. Review status: criteria provided, single submitter. Criteria: Ambry Variant Classification Scheme 2023. Collection method: clinical testing. Allele origin: germline.
Comment: The c.891_892delGAinsAT variant (also known as p.M297_N298delinsIY), located in coding exon 9 of the BRCA1 gene, results from an in-frame deletion of GA and insertion of AT at nucleotide positions 891 to 892. This results in the deletion of 2 residues (MN) and insertion of 2 new residues (IY) at codons 297 and 298. These amino acid positions are not well conserved in available vertebrate species. In addition, this variant is predicted to be deleterious by in silico analysis (Choi Y et al. PLoS ONE. 2012; 7(10):e46688). Based on the available evidence, the clinical significance of this variant remains unclear.

University of Washington Department of Laboratory Medicine, University of Washington
Classification: Likely benign for Hereditary cancer-predisposing syndrome. Last evaluated: 2023-03-23. Review status: criteria provided, single submitter. Criteria: Dines et al. (Genet Med. 2020). Collection method: curation. Allele origin: germline.
Comment: Missense variant in a coldspot region where missense variants are very unlikely to be pathogenic (PMID:31911673).

BRCA1 coldspot (exon 11 using historical exon numbering). Reclassification based on statistical prior probability

Labcorp Genetics (formerly Invitae), Labcorp
Classification: Uncertain significance for Hereditary breast ovarian cancer syndrome. Last evaluated: 2019-09-07. Review status: criteria provided, single submitter. Criteria: Invitae Variant Classification Sherloc (09022015). Collection method: clinical testing. Allele origin: germline.
Comment: In summary, the available evidence is currently insufficient to determine the role of this variant in disease. Therefore, it has been classified as a Variant of Uncertain Significance. Experimental studies and prediction algorithms are not available or were not evaluated for this variant, and the functional significance of this variant is currently unknown. This variant has not been reported in the literature in individuals with BRCA1-related conditions. This variant is not present in population databases (ExAC no frequency). This variant, c.891_892delinsAT, is a complex sequence change that results in the deletion of 2 and insertion of 2 amino acids in the BRCA1 protein (p.Met297_Asn298delinsIleTyr).

NM_007294.4(BRCA1):c.891_892delinsAT (p.Met297_Asn298delinsIleTyr)

Gene: BRCA1 (BRCA1 DNA repair associated; minus strand). Cytogenetic location: 17q21.31.
Variant type: Indel.
Coding change: c.891_892delinsAT on transcript NM_007294.4 (MANE Select); coding-DNA positions 891 to 892, GA replaced by AT.
Protein change: p.Met297_Asn298delinsIleTyr.
Molecular consequence: missense variant. On other transcripts: initiator codon variant (2), intron variant (137).
Genome position (GRCh38, 1-based): chr17:43,094,639-43,094,640, TC replaced by AT on the plus strand (GA replaced by AT on the coding strand, the reverse complement: BRCA1 is on the minus strand). VCF-style: chr17-43094639-TC-AT. GRCh37 (hg19) VCF-style: chr17-41246656-TC-AT.
Other names: c.624_625delinsAT, p.Met208_Asn209delinsIleTyr (NM_001407936.1, NM_001407930.1, NM_001407931.1 and 2 more transcripts); c.768_769delinsAT, p.Met256_Asn257delinsIleTyr (NM_001407937.1, NM_001407938.1, NM_001407939.1 and 19 more transcripts); c.765_766delinsAT, p.Met255_Asn256delinsIleTyr (NM_001407940.1, NM_001407941.1, NM_001407649.1 and 11 more transcripts); c.750_751delinsAT, p.Met250_Asn251delinsIleTyr (NM_001407942.1, NM_001407944.1, NM_001407945.1 and 29 more transcripts); c.747_748delinsAT, p.Met249_Asn250delinsIleTyr (NM_001407943.1, NM_001407964.1, NM_001407740.1 and 20 more transcripts); c.510_511delinsAT, p.Met170_Asn171delinsIleTyr (NM_001407960.1, NM_001407959.1, NM_001407963.1); c.507_508delinsAT, p.Met169_Asn170delinsIleTyr (NM_001407962.1); c.387_388delinsAT, p.Met129_Asn130delinsIleTyr (NM_001407965.1); and 41 more.
Identifiers: ClinVar variation 939811 (VCV000939811.15), dbSNP rs2054029064, ClinGen allele CA1139664803.